The following is an entry in ClinVar:

NM_001034850.3(RETREG1):c.671-124T>C

Gene: RETREG1 (reticulophagy regulator 1; minus strand). Cytogenetic location: 5p15.1.
Variant type: single nucleotide variant.
Coding change: c.671-124T>C on transcript NM_001034850.3 (MANE Select); 124 bases into the intron before coding-DNA position 671, T replaced by C.
Molecular consequence: intron variant.
Genome position (GRCh38, 1-based): chr5:16,479,111, A>G on the plus strand (T>C on the coding strand, the complement: RETREG1 is on the minus strand). VCF-style: chr5-16479111-A-G. GRCh37 (hg19) VCF-style: chr5-16479220-A-G.
Other names: c.248-124T>C (NM_019000.5).
Identifiers: ClinVar variation 670508 (VCV000670508.2), dbSNP rs33692, ClinGen allele CA15371701.

ClinVar aggregate classification (germline): Benign. Review status: criteria provided, multiple submitters, no conflicts (2 of 4 stars). 2 submissions from 2 submitters: Benign (2). Last evaluated 2018-06-14.

Allele frequency attached by ClinVar (database versions not stated): gnomAD exomes 0.67629; 1000 Genomes Project 0.67971; 1000 Genomes Project 30x 0.68098; gnomAD 0.70777 and 0.71524; TOPMed 0.71509.
gnomAD v4.1: 583,322 of 854,848 alleles (68%); highest among the groups gnomAD compares: African/African-American, 81%; 201,154 homozygotes.

Submissions (2):

GeneDx
Classification: Benign. Last evaluated: 2018-06-14. Review status: criteria provided, single submitter. Criteria: GeneDx Variant Classification (06012015). Collection method: clinical testing. Allele origin: germline. Affected: yes.
Comment: This variant is considered likely benign or benign based on one or more of the following criteria: it is a conservative change, it occurs at a poorly conserved position in the protein, it is predicted to be benign by multiple in silico algorithms, and/or has population frequency not consistent with disease.

Breakthrough Genomics
Classification: Benign. Review status: criteria provided, single submitter. Criteria: ACMG Guidelines, 2015. Collection method: not provided. Allele origin: germline. Inheritance: Autosomal recessive inheritance. Affected: yes.